The following is an entry in ClinVar:

ClinVar aggregate classification (germline): Likely benign (1 of 4 stars; one submission).

Conditions:
SLC27A5-related disorder. Also called: SLC27A5-related condition.

gnomAD v4.1: 12 of 1,610,238 alleles (0.00075%); highest among the groups gnomAD compares: Admixed American, 0.013%; no homozygotes.

Submission:

PreventionGenetics, part of Exact Sciences
Classification: Likely benign for SLC27A5-related condition. Last evaluated: 2025-12-30. Review status: criteria provided, single submitter. Criteria: ACMG Guidelines, 2015. Collection method: clinical testing. Allele origin: germline.
Comment: This variant is classified as likely benign based on ACMG/AMP sequence variant interpretation guidelines (Richards et al. 2015 PMID: 25741868, with internal and published modifications).

NM_012254.3(SLC27A5):c.1766-6C>G

Gene: SLC27A5 (solute carrier family 27 member 5; minus strand). Cytogenetic location: 19q13.43.
Variant type: single nucleotide variant.
Coding change: c.1766-6C>G on transcript NM_012254.3 (MANE Select); 6 bases into the intron before coding-DNA position 1766, C replaced by G.
Molecular consequence: intron variant.
Genome position (GRCh38, 1-based): chr19:58,498,921, G>C on the plus strand (C>G on the coding strand, the complement: SLC27A5 is on the minus strand). VCF-style: chr19-58498921-G-C. GRCh37 (hg19) VCF-style: chr19-59010288-G-C.
Other names: c.1514-6C>G (NM_001321196.2).
Identifiers: ClinVar variation 4989789 (VCV004989789.1).